The following is an entry in ClinVar:

NM_001111125.3(IQSEC2):c.4408G>A (p.Ala1470Thr)

Gene: IQSEC2 (IQ motif and Sec7 domain ArfGEF 2; minus strand). Cytogenetic location: Xp11.22.
Variant type: single nucleotide variant.
Coding change: c.4408G>A on transcript NM_001111125.3 (MANE Select); coding-DNA position 4408, G replaced by A.
Protein change: p.Ala1470Thr; replaces alanine 1470 with threonine.
Molecular consequence: missense variant. On other transcripts: 3 prime UTR variant (1).
Genome position (GRCh38, 1-based): chrX:53,234,278, C>T on the plus strand (G>A on the coding strand, the complement: IQSEC2 is on the minus strand). VCF-style: chrX-53234278-C-T. GRCh37 (hg19) VCF-style: chrX-53263460-C-T.
Other names: c.*893G>A (NM_015075.2); short protein forms A1470T.
Identifiers: ClinVar variation 129284 (VCV000129284.30), dbSNP rs191886831, ClinGen allele CA153185.

ClinVar aggregate classification (germline): Benign/Likely benign. Review status: criteria provided, multiple submitters, no conflicts (2 of 4 stars). 15 submissions from 15 submitters: Benign (10); Likely benign (1). 4 of the submissions do not count toward it. Last evaluated 2026-02-02.

Conditions:
Inborn genetic diseases. Identifiers: MedGen C0950123, MeSH D030342.
Intellectual developmental disorder, X-linked 1. Also called: Atkin Flaitz Patil Smith syndrome; MENTAL RETARDATION, X-LINKED 18; MENTAL RETARDATION, X-LINKED 78; Intellectual disability, X-linked 1. Identifiers: Orphanet 777, MedGen C2931498, MONDO:0010656, OMIM 309530.

Allele frequency attached by ClinVar (database versions not stated): gnomAD exomes 0.00682 and 0.01236; gnomAD 0.00894 and 0.00826; ExAC 0.01125; 1000 Genomes Project 0.00318; TOPMed 0.01045; 1000 Genomes Project 30x 0.00395.
gnomAD v4.1: 12,292 of 1,026,508 alleles (1.2%); highest among the groups gnomAD compares: Non-Finnish European, 1.4%; 76 homozygotes.

Submissions (15):

Labcorp Genetics (formerly Invitae), Labcorp
Classification: Benign for Intellectual developmental disorder, X-linked 1. Last evaluated: 2026-02-02. Review status: criteria provided, single submitter. Criteria: Invitae Variant Classification Sherloc (09022015). Collection method: clinical testing. Allele origin: germline.

ARUP Laboratories, Molecular Genetics and Genomics, ARUP Laboratories
Classification: Benign for Intellectual developmental disorder, X-linked 1. Last evaluated: 2025-03-06. Review status: criteria provided, single submitter. Criteria: ARUP Molecular Germline Variant Investigation Process 2024. Collection method: clinical testing. Allele origin: germline.

Blueprint Genetics
Classification: Likely benign. Last evaluated: 2024-11-28. Review status: criteria provided, single submitter. Criteria: ACMG Guidelines, 2015. Collection method: clinical testing. Allele origin: germline.

Mayo Clinic Laboratories, Mayo Clinic
Classification: Benign. Last evaluated: 2022-10-03. Review status: criteria provided, single submitter. Criteria: ACMG Guidelines, 2015. Collection method: clinical testing. Allele origin: germline. Observed: 9 variant alleles.
Comment: BS1, BS2, BP4

Ambry Genetics
Classification: Benign for Inborn genetic diseases. Last evaluated: 2017-09-26. Review status: criteria provided, single submitter. Criteria: Ambry Variant Classification Scheme 2023. Collection method: clinical testing. Allele origin: germline.

Athena Diagnostics
Classification: Benign. Last evaluated: 2017-06-29. Review status: criteria provided, single submitter. Criteria: Athena Diagnostics Criteria. Collection method: clinical testing. Allele origin: germline.

Center for Pediatric Genomic Medicine, Children's Mercy Hospital and Clinics
Classification: Benign. Last evaluated: 2017-01-05. Review status: criteria provided, single submitter. Criteria: ACMG Guidelines, 2015. Collection method: clinical testing. Allele origin: germline.

GeneDx
Classification: Benign. Last evaluated: 2016-01-22. Review status: criteria provided, single submitter. Criteria: GeneDx Variant Classification (06012015). Collection method: clinical testing. Allele origin: germline. Affected: yes.
Comment: This variant is considered likely benign or benign based on one or more of the following criteria: it is a conservative change, it occurs at a poorly conserved position in the protein, it is predicted to be benign by multiple in silico algorithms, and/or has population frequency not consistent with disease.

Eurofins Ntd Llc (ga)
Classification: Benign. Last evaluated: 2015-11-23. Review status: criteria provided, single submitter. Criteria: EGL Classification Definitions 2015. Collection method: clinical testing. Allele origin: germline. Observed: 4 variant alleles, 4 hemizygotes.

Genetic Services Laboratory, University of Chicago
Classification: Benign. Last evaluated: 2015-09-22. Review status: criteria provided, single submitter. Criteria: ACMG Guidelines, 2015. Collection method: clinical testing. Allele origin: germline. Affected: no.

Breakthrough Genomics
Classification: Benign. Review status: criteria provided, single submitter. Criteria: ACMG Guidelines, 2015. Collection method: not provided. Allele origin: germline. Inheritance: X-linked inheritance. Affected: yes.

Clinical Genetics DNA and cytogenetics Diagnostics Lab, Erasmus MC, Erasmus Medical Center
Classification: Likely benign. Review status: no assertion criteria provided. Collection method: clinical testing. Allele origin: germline. Affected: yes. Study: VKGL Data-share Consensus. Not counted in ClinVar's aggregate classification.

Diagnostic Laboratory, Department of Genetics, University Medical Center Groningen
Classification: Benign for Intellectual developmental disorder, X-linked 1. Review status: no assertion criteria provided. Collection method: clinical testing. Allele origin: germline. Affected: yes. Study: VKGL Data-share Consensus. Not counted in ClinVar's aggregate classification.

Genome Diagnostics Laboratory, University Medical Center Utrecht
Classification: Likely benign. Review status: no assertion criteria provided. Collection method: clinical testing. Allele origin: germline. Affected: yes. Study: VKGL Data-share Consensus. Not counted in ClinVar's aggregate classification.

Laboratory of Diagnostic Genome Analysis, Leiden University Medical Center (LUMC)
Classification: Likely benign. Review status: no assertion criteria provided. Collection method: clinical testing. Allele origin: germline. Affected: yes. Study: VKGL Data-share Consensus. Not counted in ClinVar's aggregate classification.

Literature cited by the submitters: PubMed 30328660 (cited by Mayo Clinic Laboratories, Mayo Clinic).